The following is an entry in ClinVar:

NM_001267550.2(TTN):c.103835C>G (p.Thr34612Arg)

Genes: TTN-AS1 (TTN antisense RNA 1; plus strand), TTN (titin; minus strand). Cytogenetic location: 2q31.2.
Variant type: single nucleotide variant.
Coding change: c.103835C>G on transcript NM_001267550.2 (MANE Select); coding-DNA position 103835, C replaced by G.
Protein change: p.Thr34612Arg; replaces threonine 34612 with arginine.
Molecular consequence: missense variant.
Genome position (GRCh38, 1-based): chr2:178,532,780, G>C on the plus strand (C>G on the coding strand, the complement: TTN is on the minus strand). VCF-style: chr2-178532780-G-C. GRCh37 (hg19) VCF-style: chr2-179397507-G-C.
Other names: c.98912C>G, p.Thr32971Arg (NM_001256850.1); c.96131C>G, p.Thr32044Arg (NM_133378.4); c.77015C>G, p.Thr25672Arg (NM_133432.3); c.77216C>G, p.Thr25739Arg (NM_133437.4); c.76640C>G, p.Thr25547Arg (NM_003319.4); short protein forms T25547R, T25672R, T25739R, T32044R, T32971R, T34612R.
Identifiers: ClinVar variation 855842 (VCV000855842.10), dbSNP rs1433454372, ClinGen allele CA349413404.

ClinVar aggregate classification (germline): Uncertain significance (1 of 4 stars; one submission).

Conditions:
Dilated cardiomyopathy 1G (CMD1G). Identifiers: Orphanet 154, MedGen C1858763, MONDO:0011400, OMIM 604145.
Autosomal recessive limb-girdle muscular dystrophy type 2J (LGMDR10). Also called: Limb-girdle muscular dystrophy, type 2J; MUSCULAR DYSTROPHY, LIMB-GIRDLE, AUTOSOMAL RECESSIVE 10. Identifiers: Orphanet 140922, MedGen C1837342, MONDO:0012127, OMIM 608807.

Allele frequency attached by ClinVar (database versions not stated): gnomAD 0.00001; TOPMed 0.00002.
gnomAD v4.1: 2 of 1,613,850 alleles (0.00012%); highest among the groups gnomAD compares: African/African-American, 0.0027%; no homozygotes.

Submission:

Labcorp Genetics (formerly Invitae), Labcorp
Classification: Uncertain significance for Dilated cardiomyopathy 1G; Autosomal recessive limb-girdle muscular dystrophy type 2J. Last evaluated: 2025-12-02. Review status: criteria provided, single submitter. Criteria: Invitae Variant Classification Sherloc (09022015). Collection method: clinical testing. Allele origin: germline.
Comment: This sequence change replaces threonine, which is neutral and polar, with arginine, which is basic and polar, at codon 34612 of the TTN protein (p.Thr34612Arg). This variant is not present in population databases (gnomAD no frequency). This variant has not been reported in the literature in individuals affected with TTN-related conditions. ClinVar contains an entry for this variant (Variation ID: 855842). Experimental studies and prediction algorithms are not available or were not evaluated, and the functional significance of this variant is currently unknown. This variant is located in the M band of TTN (PMID: 25589632). Non-truncating variants in this region may be relevant for neuromuscular disorders, but have not been definitively shown to cause cardiomyopathy (PMID: 23975875). In summary, the available evidence is currently insufficient to determine the role of this variant in disease. Therefore, it has been classified as a Variant of Uncertain Significance.

Literature cited by the submitters: PubMed 25589632; PubMed 23975875.